The following is an entry in ClinVar:

NM_000553.6(WRN):c.2651G>A (p.Arg884His)

Gene: WRN (WRN RecQ like helicase; plus strand). Cytogenetic location: 8p12.
Variant type: single nucleotide variant.
Coding change: c.2651G>A on transcript NM_000553.6 (MANE Select); coding-DNA position 2651, G replaced by A.
Protein change: p.Arg884His; replaces arginine 884 with histidine.
Molecular consequence: missense variant.
Genome position (GRCh38, 1-based): chr8:31,124,542, G>A. VCF-style: chr8-31124542-G-A. GRCh37 (hg19) VCF-style: chr8-30982058-G-A.
Other names: short protein forms R884H.
Identifiers: ClinVar variation 642525 (VCV000642525.22), dbSNP rs771294955, ClinGen allele CA4704811.

ClinVar aggregate classification (germline): Uncertain significance. Review status: criteria provided, multiple submitters, no conflicts (2 of 4 stars). 2 submissions from 2 submitters: Uncertain significance (2). Last evaluated 2025-10-09.

Conditions:
Werner syndrome (WRN). Identifiers: Orphanet 902, MedGen C0043119, MONDO:0010196, OMIM 277700.

Allele frequency attached by ClinVar (database versions not stated): ExAC 0.00001; gnomAD exomes 0.00001 and 0.00002; TOPMed 0.00003; gnomAD 0.00004.
gnomAD v4.1: 29 of 1,612,248 alleles (0.0018%); highest among the groups gnomAD compares: Middle Eastern, 0.016%; no homozygotes.

Submissions (2):

Labcorp Genetics (formerly Invitae), Labcorp
Classification: Uncertain significance for Werner syndrome. Last evaluated: 2025-10-09. Review status: criteria provided, single submitter. Criteria: Invitae Variant Classification Sherloc (09022015). Collection method: clinical testing. Allele origin: germline.
Comment: This sequence change replaces arginine, which is basic and polar, with histidine, which is basic and polar, at codon 884 of the WRN protein (p.Arg884His). This variant is present in population databases (rs771294955, gnomAD 0.008%). This variant has not been reported in the literature in individuals affected with WRN-related conditions. ClinVar contains an entry for this variant (Variation ID: 642525). An algorithm developed to predict the effect of missense changes on protein structure and function outputs the following: PolyPhen-2: "Benign". The histidine amino acid residue is found in multiple mammalian species, which suggests that this missense change does not adversely affect protein function. In summary, the available evidence is currently insufficient to determine the role of this variant in disease. Therefore, it has been classified as a Variant of Uncertain Significance.

Institute for Clinical Genetics, University Hospital TU Dresden, University Hospital TU Dresden
Classification: Uncertain significance. Last evaluated: 2021-11-03. Review status: criteria provided, single submitter. Criteria: ACMG Guidelines, 2015. Collection method: clinical testing. Allele origin: germline.